The following is an entry in ClinVar:

NM_001035.3(RYR2):c.1397dup (p.Asp467fs)

Gene: RYR2 (ryanodine receptor 2; plus strand). Cytogenetic location: 1q43.
Variant type: Duplication.
Coding change: c.1397dup on transcript NM_001035.3 (MANE Select); coding-DNA position 1397, one base duplicated (C; older notation c.1397dupC).
Protein change: p.Asp467fs; shifts the reading frame from aspartic acid 467.
Molecular consequence: frameshift variant.
Genome position (GRCh38, 1-based): chr1:237,454,495, C duplicated; the last of 6 consecutive C bases (chr1:237,454,490-237,454,495); duplicating any one gives the same sequence. VCF-style (leftmost placement, unchanged base first): chr1-237454489-A-AC. GRCh37 (hg19) VCF-style: chr1-237617789-A-AC.
Other names: short protein forms D467fs.
Identifiers: ClinVar variation 4886264 (VCV004886264.2).

ClinVar aggregate classification (germline): Uncertain significance (1 of 4 stars; one submission).

Submission:

Dasa
Classification: Uncertain significance. Last evaluated: 2026-01-09. Review status: criteria provided, single submitter. Criteria: DASA Assertion Criteria. Collection method: clinical testing. Allele origin: germline.
Comment: NM_001035.3(RYR2):c.1397dup (p.Asp467Argfs*2) is a frameshift variant in RYR2 predicted to alter the reading frame and introduce a premature termination codon. This variant is rare in population databases. The currently available literature and clinical evidence are not sufficient to establish a definitive association between this variant and the reported condition. Therefore, this variant is classified as a variant of uncertain significance.